The following is an entry in ClinVar:

ClinVar aggregate classification (germline): Uncertain significance. Review status: criteria provided, multiple submitters, no conflicts (2 of 4 stars). 2 submissions from 2 submitters: Uncertain significance (2). Last evaluated 2025-09-22.

Conditions:
Hereditary antithrombin deficiency (AT3D). Also called: Antithrombin III deficiency; Thrombophilia due to antithrombin III deficiency; Antithrombin deficiency; Reduced antithrombin III activity. Identifiers: Orphanet 82, MedGen C0272375, MONDO:0013144, OMIM 613118, HP:0001976.
Inborn genetic diseases. Identifiers: MedGen C0950123, MeSH D030342.

gnomAD v4.1: 22 of 1,613,926 alleles (0.0014%); highest among the groups gnomAD compares: African/African-American, 0.011%; no homozygotes.

Submissions (2):

Labcorp Genetics (formerly Invitae), Labcorp
Classification: Uncertain significance for Hereditary antithrombin deficiency. Last evaluated: 2025-09-22. Review status: criteria provided, single submitter. Criteria: Invitae Variant Classification Sherloc (09022015). Collection method: clinical testing. Allele origin: germline.
Comment: This sequence change replaces valine, which is neutral and non-polar, with methionine, which is neutral and non-polar, at codon 5 of the SERPINC1 protein (p.Val5Met). This variant is present in population databases (rs750709130, gnomAD 0.01%). This variant has not been reported in the literature in individuals affected with SERPINC1-related conditions. ClinVar contains an entry for this variant (Variation ID: 3317617). Invitae Evidence Modeling of protein sequence and biophysical properties (such as structural, functional, and spatial information, amino acid conservation, physicochemical variation, residue mobility, and thermodynamic stability) indicates that this missense variant is not expected to disrupt SERPINC1 protein function with a negative predictive value of 95%. In summary, the available evidence is currently insufficient to determine the role of this variant in disease. Therefore, it has been classified as a Variant of Uncertain Significance.

Ambry Genetics
Classification: Uncertain significance for Inborn genetic diseases. Last evaluated: 2024-06-10. Review status: criteria provided, single submitter. Criteria: Ambry Variant Classification Scheme 2023. Collection method: clinical testing. Allele origin: germline.

NM_000488.4(SERPINC1):c.13G>A (p.Val5Met)

Gene: SERPINC1 (serpin family C member 1; minus strand). Cytogenetic location: 1q25.1.
Variant type: single nucleotide variant.
Coding change: c.13G>A on transcript NM_000488.4 (MANE Select); coding-DNA position 13, G replaced by A.
Protein change: p.Val5Met; replaces valine 5 with methionine.
Molecular consequence: missense variant. On other transcripts: 5 prime UTR variant (1).
Genome position (GRCh38, 1-based): chr1:173,917,247, C>T on the plus strand (G>A on the coding strand, the complement: SERPINC1 is on the minus strand). VCF-style: chr1-173917247-C-T. GRCh37 (hg19) VCF-style: chr1-173886385-C-T.
Other names: c.-301G>A (NM_001365052.2); c.13G>A, p.Val5Met (NM_001386302.1, NM_001386303.1, NM_001386304.1 and 2 more transcripts); short protein forms V5M.
Identifiers: ClinVar variation 3317617 (VCV003317617.2).